The following is an entry in ClinVar:

ClinVar aggregate classification (germline): Uncertain significance. Review status: criteria provided, multiple submitters, no conflicts (2 of 4 stars). 9 submissions from 7 submitters: Uncertain significance (7). 2 of the submissions do not count toward it. Last evaluated 2025-02-20.

Conditions:
RPGRIP1L-related disorder. Also called: RPGRIP1L-related condition; RPGRIP1L-related disorders. Identifiers: MedGen CN239416.
Meckel-Gruber syndrome. Also called: DYSENCEPHALIA SPLANCHNOCYSTICA; GRUBER SYNDROME; Dysencephalia splachnocystica. Identifiers: Orphanet 564, MedGen C0265215, MONDO:0018921.
Joubert syndrome. Also called: JOUBERT-BOLTSHAUSER SYNDROME; Familial aplasia of the vermis. Identifiers: Orphanet 475, MedGen C5979921, MONDO:0018772.
Inborn genetic diseases. Identifiers: MedGen C0950123, MeSH D030342.
Nephronophthisis 8. Identifiers: MedGen CN119610.
Meckel syndrome, type 5 (MKS5). Identifiers: Orphanet 564, MedGen C1969052, MONDO:0012695, OMIM 611561.
Joubert syndrome 7 (JBTS7). Identifiers: Orphanet 220497, MedGen C1969053, MONDO:0012694, OMIM 611560.

Allele frequency attached by ClinVar (database versions not stated): gnomAD 0.00001 and 0.00002; ExAC 0.00003; TOPMed 0.00003; gnomAD exomes 0.00004; 1000 Genomes Project 0.00020; 1000 Genomes Project 30x 0.00031.
gnomAD v4.1: 62 of 1,613,960 alleles (0.0038%); highest among the groups gnomAD compares: Non-Finnish European, 0.0045%; no homozygotes.

Submissions (9):

Ambry Genetics
Classification: Uncertain significance for Inborn genetic diseases. Last evaluated: 2025-02-20. Review status: criteria provided, single submitter. Criteria: Ambry Variant Classification Scheme 2023. Collection method: clinical testing. Allele origin: germline.

GeneDx
Classification: Uncertain significance. Last evaluated: 2024-03-26. Review status: criteria provided, single submitter. Criteria: GeneDx Variant Classification Process June 2021. Collection method: clinical testing. Allele origin: germline. Affected: yes.
Comment: Not observed at significant frequency in large population cohorts (gnomAD); In silico analysis supports that this missense variant has a deleterious effect on protein structure/function; Has not been previously published as pathogenic or benign to our knowledge

Labcorp Genetics (formerly Invitae), Labcorp
Classification: Uncertain significance for Joubert syndrome; Meckel-Gruber syndrome. Last evaluated: 2022-08-02. Review status: criteria provided, single submitter. Criteria: Invitae Variant Classification Sherloc (09022015). Collection method: clinical testing. Allele origin: germline.
Comment: This sequence change replaces arginine, which is basic and polar, with glutamine, which is neutral and polar, at codon 734 of the RPGRIP1L protein (p.Arg734Gln). This variant is present in population databases (rs117364872, gnomAD 0.008%). This variant has not been reported in the literature in individuals affected with RPGRIP1L-related conditions. ClinVar contains an entry for this variant (Variation ID: 319660). Algorithms developed to predict the effect of missense changes on protein structure and function output the following: SIFT: "Tolerated"; PolyPhen-2: "Benign"; Align-GVGD: "Class C0". The glutamine amino acid residue is found in multiple mammalian species, which suggests that this missense change does not adversely affect protein function. In summary, the available evidence is currently insufficient to determine the role of this variant in disease. Therefore, it has been classified as a Variant of Uncertain Significance.

Eurofins Ntd Llc (ga)
Classification: Uncertain significance. Last evaluated: 2018-08-15. Review status: criteria provided, single submitter. Criteria: EGL ClinVar v180209 classification definitions. Collection method: clinical testing. Allele origin: germline. Observed: 1 variant allele, 1 heterozygote.

Illumina Laboratory Services, Illumina
Classification: Uncertain significance for Meckel syndrome, type 5. Last evaluated: 2018-01-13. Review status: criteria provided, single submitter. Criteria: ICSL Variant Classification Criteria 13 December 2019. Collection method: clinical testing. Allele origin: germline.

Illumina Laboratory Services, Illumina
Classification: Uncertain significance for Joubert syndrome 7. Last evaluated: 2018-01-13. Review status: criteria provided, single submitter. Criteria: ICSL Variant Classification Criteria 13 December 2019. Collection method: clinical testing. Allele origin: germline.

Illumina Laboratory Services, Illumina
Classification: Uncertain significance for Nephronophthisis 8. Last evaluated: 2018-01-13. Review status: criteria provided, single submitter. Criteria: ICSL Variant Classification Criteria 13 December 2019. Collection method: clinical testing. Allele origin: germline.

PreventionGenetics, part of Exact Sciences
Classification: Uncertain significance for RPGRIP1L-related condition. Last evaluated: 2024-02-14. Review status: no assertion criteria provided. Collection method: clinical testing. Allele origin: germline. Not counted in ClinVar's aggregate classification.
Comment: The RPGRIP1L c.2201G>A variant is predicted to result in the amino acid substitution p.Arg734Gln. To our knowledge, this variant has not been reported in the literature. This variant is reported in 0.0062% of alleles in individuals of European (Non-Finnish) descent in gnomAD. At this time, the clinical significance of this variant is uncertain due to the absence of conclusive functional and genetic evidence.

Natera, Inc.
Classification: Uncertain significance for Joubert syndrome. Last evaluated: 2020-09-11. Review status: no assertion criteria provided. Collection method: clinical testing. Allele origin: germline. Not counted in ClinVar's aggregate classification.

NM_015272.5(RPGRIP1L):c.2201G>A (p.Arg734Gln)

Gene: RPGRIP1L (RPGRIP1 like; minus strand). Cytogenetic location: 16q12.2.
Variant type: single nucleotide variant.
Coding change: c.2201G>A on transcript NM_015272.5 (MANE Select); coding-DNA position 2201, G replaced by A.
Protein change: p.Arg734Gln; replaces arginine 734 with glutamine.
Molecular consequence: missense variant.
Genome position (GRCh38, 1-based): chr16:53,649,067, C>T on the plus strand (G>A on the coding strand, the complement: RPGRIP1L is on the minus strand). VCF-style: chr16-53649067-C-T. GRCh37 (hg19) VCF-style: chr16-53682979-C-T.
Other names: c.2201G>A (NM_015272.4); c.2201G>A, p.Arg734Gln (NM_001127897.4, NM_001308334.3, NM_001330538.2); short protein forms R734Q.
Identifiers: ClinVar variation 319660 (VCV000319660.21), dbSNP rs117364872, ClinGen allele CA8057600.